The following is an entry in ClinVar:

ClinVar aggregate classification (germline): Pathogenic. Review status: criteria provided, multiple submitters, no conflicts (2 of 4 stars). 3 submissions from 3 submitters: Pathogenic (3). Last evaluated 2025-12-17.

Conditions:
3-hydroxy-3-methylglutaryl-CoA synthase deficiency (HMGCS2D). Also called: HMGCS2 DEFICIENCY; MITOCHONDRIAL HMG-CoA SYNTHASE DEFICIENCY; HMG-CoA synthase-2 deficiency. Identifiers: Orphanet 35701, MedGen C2751532, MONDO:0011614, OMIM 605911.

Allele frequency attached by ClinVar (database versions not stated): ExAC 0.00001; gnomAD 0.00001; gnomAD exomes 0.00001.

Submissions (3):

Women's Health and Genetics/Laboratory Corporation of America, LabCorp
Classification: Pathogenic for 3-hydroxy-3-methylglutaryl-CoA synthase deficiency. Last evaluated: 2025-12-17. Review status: criteria provided, single submitter. Criteria: LabCorp Variant Classification Summary - May 2015. Collection method: clinical testing. Allele origin: germline.
Comment: Variant summary: HMGCS2 c.1162G>A (p.Gly388Arg) results in a non-conservative amino acid change in the encoded protein sequence. Algorithms developed to predict the effect of missense changes on protein structure and function all suggest that this variant is likely to be disruptive. The variant allele was found at a frequency of 8e-06 in 251450 control chromosomes. c.1162G>A has been observed in individual(s) affected with 3-hydroxy-3-methylglutaryl-CoA synthase deficiency (Ramos_2013, Pitt_2014). These data indicate that the variant is likely to be associated with disease. At least one publication reports experimental evidence evaluating an impact on protein function (Ramos_2013) . The most pronounced variant effect results in absence of detectable protein. The following publications have been ascertained in the context of this evaluation (PMID: 23751782, 25511235). ClinVar contains an entry for this variant (Variation ID: 449457). Based on the evidence outlined above, the variant was classified as pathogenic.

Labcorp Genetics (formerly Invitae), Labcorp
Classification: Pathogenic for 3-hydroxy-3-methylglutaryl-CoA synthase deficiency. Last evaluated: 2025-11-10. Review status: criteria provided, single submitter. Criteria: Invitae Variant Classification Sherloc (09022015). Collection method: clinical testing. Allele origin: germline.
Comment: This sequence change replaces glycine, which is neutral and non-polar, with arginine, which is basic and polar, at codon 388 of the HMGCS2 protein (p.Gly388Arg). This variant is present in population databases (rs752626288, gnomAD 0.002%). This missense change has been observed in individual(s) with HMG-CoA synthase deficiency (PMID: 23751782, 25511235). In at least one individual the data is consistent with being in trans (on the opposite chromosome) from a pathogenic variant. ClinVar contains an entry for this variant (Variation ID: 449457). Invitae Evidence Modeling of protein sequence and biophysical properties (such as structural, functional, and spatial information, amino acid conservation, physicochemical variation, residue mobility, and thermodynamic stability) indicates that this missense variant is expected to disrupt HMGCS2 protein function with a positive predictive value of 80%. Experimental studies have shown that this missense change affects HMGCS2 function (PMID: 23751782). For these reasons, this variant has been classified as Pathogenic.

GeneDx
Classification: Pathogenic. Last evaluated: 2017-10-02. Review status: criteria provided, single submitter. Criteria: GeneDx Variant Classification (06012015). Collection method: clinical testing. Allele origin: germline. Affected: yes.
Comment: The G388R variant in the HMGCS2 gene has been reported previously in association with autosomal recessive HMG-CoA synthase-2 deficiency when present in the homozygous state or when in trans with another disease-causing variant (Pitt et al., 2015; Ramos et al., 2013). Functional studies have shown that the G388R variant does not produce soluble protein (Ramos et al., 2013). The G388R variant is not observed at a significant frequency in large population cohorts (Lek et al., 2016). The G388R variant is a non-conservative amino acid substitution, which occurs at a position that is conserved across species. In silico analysis predicts this variant is probably damaging to the protein structure/function. We interpret G388R as a pathogenic variant.

Literature cited by the submitters: PubMed 25511235 (cited by Women's Health and Genetics/Laboratory Corporation of America, LabCorp and Labcorp Genetics (formerly Invitae), Labcorp); PubMed 23751782 (cited by Women's Health and Genetics/Laboratory Corporation of America, LabCorp and Labcorp Genetics (formerly Invitae), Labcorp).

NM_005518.4(HMGCS2):c.1162G>A (p.Gly388Arg)

Gene: HMGCS2 (3-hydroxy-3-methylglutaryl-CoA synthase 2; minus strand). Cytogenetic location: 1p12.
Variant type: single nucleotide variant.
Coding change: c.1162G>A on transcript NM_005518.4 (MANE Select); coding-DNA position 1162, G replaced by A.
Protein change: p.Gly388Arg; replaces glycine 388 with arginine.
Molecular consequence: missense variant.
Genome position (GRCh38, 1-based): chr1:119,755,452, C>T on the plus strand (G>A on the coding strand, the complement: HMGCS2 is on the minus strand). VCF-style: chr1-119755452-C-T. GRCh37 (hg19) VCF-style: chr1-120298075-C-T.
Other names: c.1036G>A, p.Gly346Arg (NM_001166107.1); short protein forms G346R, G388R.
Identifiers: ClinVar variation 449457 (VCV000449457.7), dbSNP rs752626288, ClinGen allele CA1037663.